The following is an entry in ClinVar:

ClinVar aggregate classification (germline): Pathogenic (1 of 4 stars; one submission).

gnomAD v4.1: 13 of 1,551,276 alleles (0.00084%); highest among the groups gnomAD compares: Non-Finnish European, 0.0011%; no homozygotes.

Submission:

Labcorp Genetics (formerly Invitae), Labcorp
Classification: Pathogenic. Last evaluated: 2022-11-01. Review status: criteria provided, single submitter. Criteria: Invitae Variant Classification Sherloc (09022015). Collection method: clinical testing. Allele origin: germline.
Comment: For these reasons, this variant has been classified as Pathogenic. This variant has not been reported in the literature in individuals affected with LOXHD1-related conditions. This variant is not present in population databases (gnomAD no frequency). This sequence change creates a premature translational stop signal (p.Glu993*) in the LOXHD1 gene. It is expected to result in an absent or disrupted protein product. Loss-of-function variants in LOXHD1 are known to be pathogenic (PMID: 19732867, 21465660, 25792669).

Literature cited by the submitters: PubMed 19732867; PubMed 21465660; PubMed 25792669.

NM_001384474.1(LOXHD1):c.2977G>T (p.Glu993Ter)

Gene: LOXHD1 (lipoxygenase homology PLAT domains 1; minus strand). Cytogenetic location: 18q21.1.
Variant type: single nucleotide variant.
Coding change: c.2977G>T on transcript NM_001384474.1 (MANE Select); coding-DNA position 2977, G replaced by T.
Protein change: p.Glu993Ter; replaces glutamic acid 993 with a stop codon.
Molecular consequence: nonsense.
Genome position (GRCh38, 1-based): chr18:46,560,167, C>A on the plus strand (G>T on the coding strand, the complement: LOXHD1 is on the minus strand). VCF-style: chr18-46560167-C-A. GRCh37 (hg19) VCF-style: chr18-44140130-C-A.
Other names: c.2977G>T, p.Glu993Ter (NM_144612.7); short protein forms E993*.
Identifiers: ClinVar variation 3007106 (VCV003007106.3), dbSNP rs768334641, ClinGen allele CA402370428.